The following is an entry in ClinVar:

ClinVar aggregate classification (germline): Uncertain significance (1 of 4 stars; one submission).

Conditions:
Muscle AMP deaminase deficiency (MMDD). Also called: AMPD1 DEFICIENCY; Myoadenylate deaminase deficiency, myopathy due to; Adenosine monophosphate deaminase 1 deficiency; AMP deaminase 1 deficiency; Adenosine Monophosphate Deaminase 1; ADENOSINE MONOPHOSPHATE DEAMINASE-1 DEFICIENCY, MYOPATHY DUE TO. Identifiers: Orphanet 45, MedGen C3714933, MONDO:0014220, OMIM 615511.

Submission:

Labcorp Genetics (formerly Invitae), Labcorp
Classification: Uncertain significance for Muscle AMP deaminase deficiency. Last evaluated: 2025-12-20. Review status: criteria provided, single submitter. Criteria: Invitae Variant Classification Sherloc (09022015). Collection method: clinical testing. Allele origin: germline.
Comment: This sequence change falls in intron 2 of the AMPD1 gene. It does not directly change the encoded amino acid sequence of the AMPD1 protein. It affects a nucleotide within the consensus splice site. This variant is not present in population databases (gnomAD no frequency). This variant has not been reported in the literature in individuals affected with AMPD1-related conditions. Variants that disrupt the consensus splice site are a relatively common cause of aberrant splicing (PMID: 17576681, 9536098). Algorithms developed to predict the effect of sequence changes on RNA splicing suggest that this variant may disrupt the consensus splice site. In summary, the available evidence is currently insufficient to determine the role of this variant in disease. Therefore, it has been classified as a Variant of Uncertain Significance.

Literature cited by the submitters: PubMed 17576681; PubMed 9536098.

NM_000036.3(AMPD1):c.34+6T>A

Gene: AMPD1 (adenosine monophosphate deaminase 1; minus strand). Cytogenetic location: 1p13.2.
Variant type: single nucleotide variant.
Coding change: c.34+6T>A on transcript NM_000036.3 (MANE Select); 6 bases into the intron after coding-DNA position 34, T replaced by A.
Molecular consequence: intron variant.
Genome position (GRCh38, 1-based): chr1:114,693,430, A>T on the plus strand (T>A on the coding strand, the complement: AMPD1 is on the minus strand). VCF-style: chr1-114693430-A-T. GRCh37 (hg19) VCF-style: chr1-115236051-A-T.
Other names: c.22+2020T>A (NM_001172626.2).
Identifiers: ClinVar variation 4804661 (VCV004804661.1).